The following is an entry in ClinVar:

ClinVar aggregate classification (germline): Uncertain significance (1 of 4 stars; one submission).

Conditions:
Dilated cardiomyopathy 1DD (CMD1DD). Identifiers: Orphanet 154, MedGen C2750995, MONDO:0013168, OMIM 613172.

gnomAD v4.1: 1 of 1,551,670 alleles (0.000064%); highest among the groups gnomAD compares: Non-Finnish European, 0.000087%; no homozygotes.

Submission:

Labcorp Genetics (formerly Invitae), Labcorp
Classification: Uncertain significance for Dilated cardiomyopathy 1DD. Last evaluated: 2024-09-24. Review status: criteria provided, single submitter. Criteria: Invitae Variant Classification Sherloc (09022015). Collection method: clinical testing. Allele origin: germline.
Comment: This sequence change replaces lysine, which is basic and polar, with asparagine, which is neutral and polar, at codon 753 of the RBM20 protein (p.Lys753Asn). This variant is not present in population databases (gnomAD no frequency). This variant has not been reported in the literature in individuals affected with RBM20-related conditions. Invitae Evidence Modeling of protein sequence and biophysical properties (such as structural, functional, and spatial information, amino acid conservation, physicochemical variation, residue mobility, and thermodynamic stability) indicates that this missense variant is not expected to disrupt RBM20 protein function with a negative predictive value of 95%. In summary, the available evidence is currently insufficient to determine the role of this variant in disease. Therefore, it has been classified as a Variant of Uncertain Significance.

NM_001134363.3(RBM20):c.2259A>T (p.Lys753Asn)

Gene: RBM20 (RNA binding motif protein 20; plus strand). Cytogenetic location: 10q25.2.
Variant type: single nucleotide variant.
Coding change: c.2259A>T on transcript NM_001134363.3 (MANE Select); coding-DNA position 2259, A replaced by T.
Protein change: p.Lys753Asn; replaces lysine 753 with asparagine.
Molecular consequence: missense variant.
Genome position (GRCh38, 1-based): chr10:110,812,656, A>T. VCF-style: chr10-110812656-A-T. GRCh37 (hg19) VCF-style: chr10-112572414-A-T.
Other names: short protein forms K753N.
Identifiers: ClinVar variation 3636974 (VCV003636974.2).
Genomic context (GRCh38, chr10:110,812,656, plus strand): 5'-CCGGGAGAAGTACCCGAGATCTGGGTCTCCCAACCTGCCCCACTCTGTGTCCAGCTACAA[A>T]AGCCGTGAAGACGGCTACTACCGGAAAGAGCCCAAAGCCAAGTCGGACAAGTATCTGAAG-3'
Protein context (NP_001127835.2, residues 743-763): PNLPHSVSSY[Lys753Asn]SREDGYYRKE